The following is an entry in ClinVar:

NM_001723.7(DST):c.4897C>G (p.His1633Asp)

Gene: DST (dystonin; minus strand). Cytogenetic location: 6p12.1.
Variant type: single nucleotide variant.
Coding change: c.4897C>G on transcript NM_001723.7 (MANE Plus Clinical); coding-DNA position 4897, C replaced by G.
Protein change: p.His1633Asp; replaces histidine 1633 with aspartic acid.
Molecular consequence: missense variant. On other transcripts: intron variant (10).
Genome position (GRCh38, 1-based): chr6:56,619,137, G>C on the plus strand (C>G on the coding strand, the complement: DST is on the minus strand). VCF-style: chr6-56619137-G-C. GRCh37 (hg19) VCF-style: chr6-56483935-G-C.
Other names: c.4831-4653C>G (NM_001144769.5); c.4930-4653C>G (NM_001374722.1, NM_001374736.1); c.4957-4653C>G (NM_001374734.1); c.4417-4653C>G (NM_001144770.2); c.4297-4653C>G (NM_001374730.1, NM_001386100.1, NM_183380.4 and 1 more transcripts); c.3319-4653C>G (NM_015548.5); short protein forms H1633D.
Identifiers: ClinVar variation 959864 (VCV000959864.10), dbSNP rs777751137, ClinGen allele CA3870457.

ClinVar aggregate classification (germline): Uncertain significance (1 of 4 stars; one submission).

Conditions:
Epidermolysis bullosa simplex 3, localized or generalized intermediate, with BP230 deficiency (EBS3). Also called: Epidermolysis bullosa simplex due to BP230 deficiency; Epidermolysis bullosa simplex, autosomal recessive 2. Identifiers: Orphanet 412181, MedGen C3809470, MONDO:0014180, OMIM 615425.
Hereditary sensory and autonomic neuropathy type 6. Also called: Neuropathy, hereditary sensory and autonomic, type VI; HSAN VI. Identifiers: Orphanet 314381, MedGen C3539003, MONDO:0013839, OMIM 614653.

Allele frequency attached by ClinVar (database versions not stated): gnomAD exomes below 0.00001 and 0.00001; ExAC 0.00001.
gnomAD v4.1: 2 of 1,613,856 alleles (0.00012%); highest among the groups gnomAD compares: Non-Finnish European, 0.00017%; no homozygotes.

Submission:

Labcorp Genetics (formerly Invitae), Labcorp
Classification: Uncertain significance for Epidermolysis bullosa simplex 3, localized or generalized intermediate, with BP230 deficiency; Hereditary sensory and autonomic neuropathy type 6. Last evaluated: 2019-11-03. Review status: criteria provided, single submitter. Criteria: Invitae Variant Classification Sherloc (09022015). Collection method: clinical testing. Allele origin: germline.
Comment: This sequence change replaces histidine with aspartic acid at codon 1633 of the DST protein (p.His1633Asp). The histidine residue is weakly conserved and there is a moderate physicochemical difference between histidine and aspartic acid. In summary, the available evidence is currently insufficient to determine the role of this variant in disease. Therefore, it has been classified as a Variant of Uncertain Significance. Algorithms developed to predict the effect of missense changes on protein structure and function are either unavailable or do not agree on the potential impact of this missense change (SIFT: "Tolerated"; PolyPhen-2: "Probably Damaging"; Align-GVGD: "Class C0"). This variant has not been reported in the literature in individuals with DST-related conditions. This variant is present in population databases (rs777751137, ExAC 0.001%).